The following is an entry in ClinVar:

NM_182943.3(PLOD2):c.1262A>T (p.His421Leu)

Gene: PLOD2 (procollagen-lysine,2-oxoglutarate 5-dioxygenase 2; minus strand). Cytogenetic location: 3q24.
Variant type: single nucleotide variant.
Coding change: c.1262A>T on transcript NM_182943.3 (MANE Select); coding-DNA position 1262, A replaced by T.
Protein change: p.His421Leu; replaces histidine 421 with leucine.
Molecular consequence: missense variant.
Genome position (GRCh38, 1-based): chr3:146,081,834, T>A on the plus strand (A>T on the coding strand, the complement: PLOD2 is on the minus strand). VCF-style: chr3-146081834-T-A. GRCh37 (hg19) VCF-style: chr3-145799621-T-A.
Other names: c.1262A>T, p.His421Leu (NM_000935.3); short protein forms H421L.
Identifiers: ClinVar variation 3672454 (VCV003672454.2).

ClinVar aggregate classification (germline): Uncertain significance (1 of 4 stars; one submission).

gnomAD v4.1: 2 of 1,612,738 alleles (0.00012%); highest among the groups gnomAD compares: East Asian, 0.0022%; no homozygotes.

Submission:

Labcorp Genetics (formerly Invitae), Labcorp
Classification: Uncertain significance. Last evaluated: 2024-09-13. Review status: criteria provided, single submitter. Criteria: Invitae Variant Classification Sherloc (09022015). Collection method: clinical testing. Allele origin: germline.
Comment: This sequence change replaces histidine, which is basic and polar, with leucine, which is neutral and non-polar, at codon 421 of the PLOD2 protein (p.His421Leu). This variant is not present in population databases (gnomAD no frequency). This variant has not been reported in the literature in individuals affected with PLOD2-related conditions. Invitae Evidence Modeling of protein sequence and biophysical properties (such as structural, functional, and spatial information, amino acid conservation, physicochemical variation, residue mobility, and thermodynamic stability) indicates that this missense variant is not expected to disrupt PLOD2 protein function with a negative predictive value of 80%. In summary, the available evidence is currently insufficient to determine the role of this variant in disease. Therefore, it has been classified as a Variant of Uncertain Significance.